The following is an entry in ClinVar:

NM_198904.4(GABRG2):c.108-3T>G

Gene: GABRG2 (gamma-aminobutyric acid type A receptor subunit gamma2; plus strand). Cytogenetic location: 5q34.
Variant type: single nucleotide variant.
Coding change: c.108-3T>G on transcript NM_198904.4 (MANE Select); 3 bases into the intron before coding-DNA position 108, T replaced by G.
Molecular consequence: intron variant.
Genome position (GRCh38, 1-based): chr5:162,093,825, T>G. VCF-style: chr5-162093825-T-G. GRCh37 (hg19) VCF-style: chr5-161520831-T-G.
Other names: c.-178-3T>G (NM_001375349.1); c.108-3T>G (NM_001375343.1, NM_001375344.1, NM_001375340.1 and 4 more transcripts); c.-251-3T>G (NM_001375350.1, NM_001375348.1); c.108-12T>G (NM_001375339.1); c.42-3T>G (NM_001375346.1, NM_001375345.1); c.21-3T>G (NM_001375347.1).
Identifiers: ClinVar variation 3759484 (VCV003759484.2).

ClinVar aggregate classification (germline): Uncertain significance (1 of 4 stars; one submission).

Conditions:
Febrile seizures, familial, 8 (FEB8). Also called: CONVULSIONS, FAMILIAL FEBRILE, 8. Identifiers: Orphanet 36387, MedGen C1969810, MONDO:0011891, OMIM 607681.
EPILEPSY, CHILDHOOD ABSENCE, SUSCEPTIBILITY TO, 2 (ECA2). Identifiers: Orphanet 64280, MedGen C1843244, OMIM 607681.

Submission:

Labcorp Genetics (formerly Invitae), Labcorp
Classification: Uncertain significance for Febrile seizures, familial, 8; EPILEPSY, CHILDHOOD ABSENCE, SUSCEPTIBILITY TO, 2. Last evaluated: 2024-10-16. Review status: criteria provided, single submitter. Criteria: Invitae Variant Classification Sherloc (09022015). Collection method: clinical testing. Allele origin: germline.
Comment: This sequence change falls in intron 1 of the GABRG2 gene. It does not directly change the encoded amino acid sequence of the GABRG2 protein. It affects a nucleotide within the consensus splice site. This variant is not present in population databases (gnomAD no frequency). This variant has not been reported in the literature in individuals affected with GABRG2-related conditions. Variants that disrupt the consensus splice site are a relatively common cause of aberrant splicing (PMID: 17576681, 9536098). Algorithms developed to predict the effect of sequence changes on RNA splicing suggest that this variant may disrupt the consensus splice site. In summary, the available evidence is currently insufficient to determine the role of this variant in disease. Therefore, it has been classified as a Variant of Uncertain Significance.

Literature cited by the submitters: PubMed 17576681; PubMed 9536098.